The following is an entry in ClinVar:

NM_001267550.2(TTN):c.102670C>A (p.Leu34224Ile)

Genes: TTN (titin; minus strand), TTN-AS1 (TTN antisense RNA 1; plus strand). Cytogenetic location: 2q31.2.
Variant type: single nucleotide variant.
Coding change: c.102670C>A on transcript NM_001267550.2 (MANE Select); coding-DNA position 102670, C replaced by A.
Protein change: p.Leu34224Ile; replaces leucine 34224 with isoleucine.
Molecular consequence: missense variant.
Genome position (GRCh38, 1-based): chr2:178,533,945, G>T on the plus strand (C>A on the coding strand, the complement: TTN is on the minus strand). VCF-style: chr2-178533945-G-T. GRCh37 (hg19) VCF-style: chr2-179398672-G-T.
Other names: c.97747C>A, p.Leu32583Ile (NM_001256850.1); c.75475C>A, p.Leu25159Ile (NM_003319.4); c.94966C>A, p.Leu31656Ile (NM_133378.4); c.75850C>A, p.Leu25284Ile (NM_133432.3); c.76051C>A, p.Leu25351Ile (NM_133437.4); short protein forms L25159I, L25284I, L25351I, L31656I, L32583I, L34224I.
Identifiers: ClinVar variation 2682468 (VCV002682468.4), dbSNP rs775156032, ClinGen allele CA349417017.

ClinVar aggregate classification (germline): Uncertain significance. Review status: criteria provided, multiple submitters, no conflicts (2 of 4 stars). 2 submissions from 2 submitters: Uncertain significance (2). Last evaluated 2025-09-14.

Conditions:
Dilated cardiomyopathy 1G (CMD1G). Identifiers: Orphanet 154, MedGen C1858763, MONDO:0011400, OMIM 604145.
Autosomal recessive limb-girdle muscular dystrophy type 2J (LGMDR10). Also called: MUSCULAR DYSTROPHY, LIMB-GIRDLE, AUTOSOMAL RECESSIVE 10; Limb-girdle muscular dystrophy, type 2J. Identifiers: Orphanet 140922, MedGen C1837342, MONDO:0012127, OMIM 608807.

gnomAD v4.1: 1 of 1,613,812 alleles (0.000062%); highest among the groups gnomAD compares: South Asian, 0.0011%; no homozygotes.

Submissions (2):

Labcorp Genetics (formerly Invitae), Labcorp
Classification: Uncertain significance for Dilated cardiomyopathy 1G; Autosomal recessive limb-girdle muscular dystrophy type 2J. Last evaluated: 2025-09-14. Review status: criteria provided, single submitter. Criteria: Invitae Variant Classification Sherloc (09022015). Collection method: clinical testing. Allele origin: germline.
Comment: This sequence change replaces leucine, which is neutral and non-polar, with isoleucine, which is neutral and non-polar, at codon 34224 of the TTN protein (p.Leu34224Ile). This variant is not present in population databases (gnomAD no frequency). This variant has not been reported in the literature in individuals affected with TTN-related conditions. ClinVar contains an entry for this variant (Variation ID: 2682468). Experimental studies and prediction algorithms are not available or were not evaluated, and the functional significance of this variant is currently unknown. This variant is located in the M band of TTN (PMID: 25589632). Non-truncating variants in this region may be relevant for neuromuscular disorders, but have not been definitively shown to cause cardiomyopathy (PMID: 23975875). In summary, the available evidence is currently insufficient to determine the role of this variant in disease. Therefore, it has been classified as a Variant of Uncertain Significance.

Women's Health and Genetics/Laboratory Corporation of America, LabCorp
Classification: Uncertain significance. Last evaluated: 2023-11-10. Review status: criteria provided, single submitter. Criteria: LabCorp Variant Classification Summary - May 2015. Collection method: clinical testing. Allele origin: germline.
Comment: Variant summary: TTN c.94966C>A (p.Leu31656Ile) results in a conservative amino acid change located in the M-band of the encoded protein sequence. Two of four in-silico tools predict a benign effect of the variant on protein function. The variant was absent in 248970 control chromosomes. The available data on variant occurrences in the general population are insufficient to allow any conclusion about variant significance. To our knowledge, no occurrence of c.94966C>A in individuals affected with Limb-Girdle Muscular Dystrophy, Type 2J and no experimental evidence demonstrating its impact on protein function have been reported. No submitters have cited clinical-significance assessments for this variant to ClinVar after 2014. Based on the evidence outlined above, the variant was classified as uncertain significance.

Literature cited by the submitters: PubMed 25589632 (cited by Labcorp Genetics (formerly Invitae), Labcorp); PubMed 23975875 (cited by Labcorp Genetics (formerly Invitae), Labcorp).